The following is an entry in ClinVar:

NM_000051.4(ATM):c.7789-16dup

Genes: ATM (ATM serine/threonine kinase; plus strand), C11orf65 (chromosome 11 open reading frame 65; minus strand). Cytogenetic location: 11q22.3.
Variant type: Duplication.
Coding change: c.7789-16dup on transcript NM_000051.4 (MANE Select); 16 bases into the intron before coding-DNA position 7789, one base duplicated (T; older notation c.7789-16dupT).
Molecular consequence: intron variant.
Genome position (GRCh38, 1-based): chr11:108,332,746, T duplicated; the last of 6 consecutive T bases (chr11:108,332,741-108,332,746); duplicating any one gives the same sequence. VCF-style (leftmost placement, unchanged base first): chr11-108332740-G-GT. GRCh37 (hg19) VCF-style: chr11-108203467-G-GT.
Other names: c.7789-16dup (NM_001351834.2); c.641-23670dup (NM_001330368.2); c.*38+2479dup (NM_001351110.2); c.7789-16dupT (NM_000051.3).
Identifiers: ClinVar variation 418043 (VCV000418043.5), dbSNP rs776103192, ClinGen allele CA6266190.

ClinVar aggregate classification (germline): Benign/Likely benign. Review status: criteria provided, multiple submitters, no conflicts (2 of 4 stars). 3 submissions from 3 submitters: Benign (1); Likely benign (2). Last evaluated 2024-06-17.

Conditions:
Familial cancer of breast. Also called: Hereditary breast cancer; BREAST CANCER, FAMILIAL; hereditary breast carcinoma. Identifiers: Orphanet 227535, MedGen C0346153, MONDO:0016419, OMIM 114480. Disease mechanism: loss of function.

Submissions (3):

Myriad Genetics, Inc.
Classification: Benign for Familial cancer of breast. Last evaluated: 2024-06-17. Review status: criteria provided, single submitter. Criteria: Myriad Autosomal Dominant, Autosomal Recessive and X-Linked Classification Criteria (2023). Collection method: clinical testing. Allele origin: unknown.
Comment: This variant is considered benign. This variant is intronic and is not expected to impact mRNA splicing.

GeneDx
Classification: Likely benign. Last evaluated: 2017-10-24. Review status: criteria provided, single submitter. Criteria: GeneDx Variant Classification (06012015). Collection method: clinical testing. Allele origin: germline. Affected: yes.
Comment: This variant is considered likely benign or benign based on one or more of the following criteria: it is a conservative change, it occurs at a poorly conserved position in the protein, it is predicted to be benign by multiple in silico algorithms, and/or has population frequency not consistent with disease.

PreventionGenetics, part of Exact Sciences
Classification: Likely benign. Last evaluated: 2017-02-20. Review status: criteria provided, single submitter. Criteria: ACMG Guidelines, 2015. Collection method: clinical testing. Allele origin: germline.